The following is an entry in ClinVar:

ClinVar aggregate classification (germline): Uncertain significance (1 of 4 stars; one submission).

Conditions:
FAT1-related disorder. Also called: FAT1-related condition.

Submission:

PreventionGenetics, part of Exact Sciences
Classification: Uncertain significance for FAT1-related condition. Last evaluated: 2025-11-22. Review status: criteria provided, single submitter. Criteria: ACMG Guidelines, 2015. Collection method: clinical testing. Allele origin: germline.
Comment: The FAT1 c.5131G>T variant is predicted to result in the amino acid substitution p.Asp1711Tyr. To our knowledge, this variant has not been reported in the literature or in a large population database (gnomAD), indicating this variant is rare. At this time, the clinical significance of this variant is uncertain due to the absence of conclusive functional and genetic evidence.

NM_005245.4(FAT1):c.5131G>T (p.Asp1711Tyr)

Gene: FAT1 (FAT atypical cadherin 1; minus strand). Cytogenetic location: 4q35.2.
Variant type: single nucleotide variant.
Coding change: c.5131G>T on transcript NM_005245.4 (MANE Select); coding-DNA position 5131, G replaced by T.
Protein change: p.Asp1711Tyr; replaces aspartic acid 1711 with tyrosine.
Molecular consequence: missense variant.
Genome position (GRCh38, 1-based): chr4:186,621,455, C>A on the plus strand (G>T on the coding strand, the complement: FAT1 is on the minus strand). VCF-style: chr4-186621455-C-A. GRCh37 (hg19) VCF-style: chr4-187542609-C-A.
Other names: c.5131G>T, p.Asp1711Tyr (NM_001440455.1, NM_001440456.1, NM_001440457.1); short protein forms D1711Y.
Identifiers: ClinVar variation 4997225 (VCV004997225.1).
Genomic context (GRCh38, chr4:186,621,455, plus strand): 5'-GCAAAGTTTCAAAGTCCAGGGCTTTCTGAGTGATGATAGTTCCAGAATGTGGATTAATAT[C>A]AAAAGCATCACCTGTATTTCCATCTTTTATTTCATACACCACTGATGATTGACTATGGGC-3'
Protein context (NP_005236.2, residues 1701-1721): IKDGNTGDAF[Asp1711Tyr]INPHSGTIIT